The following is an entry in ClinVar:

ClinVar aggregate classification (germline): Conflicting classifications of pathogenicity. Review status: criteria provided, conflicting classifications (1 of 4 stars). 3 submissions from 3 submitters: Uncertain significance (1); Likely benign (2). Last evaluated 2025-01-09.

Conditions:
RASopathy. Also called: Noonan spectrum disorder; rasopathies. Identifiers: Orphanet 536391, MedGen C5555857, MONDO:0021060.
Noonan syndrome 4 (NS4). Also called: SOS1-Related Noonan Syndrome; NOONAN SYNDROME WITH PIGMENTED VILLONODULAR SYNOVITIS. Identifiers: Orphanet 648, MedGen C1853120, MONDO:0012547, OMIM 610733.
Fibromatosis, gingival, 1 (GINGF1). Identifiers: Orphanet 2024, MedGen C4551558, MONDO:0007609, OMIM 135300.

Allele frequency attached by ClinVar (database versions not stated): gnomAD exomes below 0.00001 and 0.00001; ExAC 0.00002; 1000 Genomes Project 30x 0.00016; 1000 Genomes Project 0.00020.
gnomAD v4.1: 6 of 1,612,284 alleles (0.00037%); highest among the groups gnomAD compares: East Asian, 0.0045%; no homozygotes.

Submissions (3):

Women's Health and Genetics/Laboratory Corporation of America, LabCorp
Classification: Likely benign. Last evaluated: 2025-01-09. Review status: criteria provided, single submitter. Criteria: LabCorp Variant Classification Summary - May 2015. Collection method: clinical testing. Allele origin: germline.
Comment: Variant summary: SOS1 c.213+9A>G alters a non-conserved nucleotide located at a position not widely known to affect splicing. Consensus agreement among computation tools predict no significant impact on normal splicing. However, these predictions have yet to be confirmed by functional studies. The variant allele was found at a frequency of 1.2e-05 in 251350 control chromosomes. The available data on variant occurrences in the general population are insufficient to allow any conclusion about variant significance. c.213+9A>G has been reported in the literature in unspecified individuals affected with Noonan Syndrome, without strong evidence for causality (Leach_2019). These report(s) do not provide unequivocal conclusions about association of the variant with Noonan Syndrome And Related Conditions. To our knowledge, no experimental evidence demonstrating an impact on protein function has been reported. The following publication has been ascertained in the context of this evaluation (PMID: 29907801). ClinVar contains an entry for this variant (Variation ID: 496300). Based on the evidence outlined above, the variant was classified as likely benign.

Labcorp Genetics (formerly Invitae), Labcorp
Classification: Likely benign for RASopathy. Last evaluated: 2024-08-31. Review status: criteria provided, single submitter. Criteria: Invitae Variant Classification Sherloc (09022015). Collection method: clinical testing. Allele origin: germline.

Fulgent Genetics
Classification: Uncertain significance for Fibromatosis, gingival, 1; Noonan syndrome 4. Last evaluated: 2021-08-02. Review status: criteria provided, single submitter. Criteria: ACMG Guidelines, 2015. Collection method: clinical testing. Allele origin: unknown.

Literature cited by the submitters: PubMed 29907801 (cited by Women's Health and Genetics/Laboratory Corporation of America, LabCorp).

NM_005633.4(SOS1):c.213+9A>G

Gene: SOS1 (SOS Ras/Rac guanine nucleotide exchange factor 1; minus strand). Cytogenetic location: 2p22.1.
Variant type: single nucleotide variant.
Coding change: c.213+9A>G on transcript NM_005633.4 (MANE Select); 9 bases into the intron after coding-DNA position 213, A replaced by G.
Molecular consequence: intron variant.
Genome position (GRCh38, 1-based): chr2:39,067,619, T>C on the plus strand (A>G on the coding strand, the complement: SOS1 is on the minus strand). VCF-style: chr2-39067619-T-C. GRCh37 (hg19) VCF-style: chr2-39294760-T-C.
Other names: c.192+9A>G (NM_001382394.1); c.213+9A>G (NM_001382395.1).
Identifiers: ClinVar variation 496300 (VCV000496300.6), dbSNP rs553097014, ClinGen allele CA1624847.